The following is an entry in ClinVar:

ClinVar aggregate classification (germline): Uncertain significance (1 of 4 stars; one submission).

Conditions:
Joubert syndrome 18 (JBTS18). Identifiers: Orphanet 2754, MedGen C3553758, MONDO:0013896, OMIM 614815.
Orofacial-digital syndrome IV (OFD4). Also called: BARAITSER-BURN SYNDROME; OFD SYNDROME WITH TIBIAL DEFECTS; OFD SYNDROME, BARAITSER-BURN TYPE; OFDS IV; ORAL-FACIAL-DIGITAL SYNDROME, TYPE IV; Orofaciodigital syndrome IV. Identifiers: Orphanet 2753, MedGen C0406727, MONDO:0009794, OMIM 258860.

Allele frequency attached by ClinVar (database versions not stated): gnomAD exomes below 0.00001; ExAC 0.00001; gnomAD 0.00001.

Submission:

Labcorp Genetics (formerly Invitae), Labcorp
Classification: Uncertain significance for Joubert syndrome 18; Orofacial-digital syndrome IV. Last evaluated: 2022-05-10. Review status: criteria provided, single submitter. Criteria: Invitae Variant Classification Sherloc (09022015). Collection method: clinical testing. Allele origin: germline.
Comment: In summary, the available evidence is currently insufficient to determine the role of this variant in disease. Therefore, it has been classified as a Variant of Uncertain Significance. Algorithms developed to predict the effect of missense changes on protein structure and function output the following: SIFT: "Tolerated"; PolyPhen-2: "Benign"; Align-GVGD: "Class C0". The valine amino acid residue is found in multiple mammalian species, which suggests that this missense change does not adversely affect protein function. This variant has not been reported in the literature in individuals affected with TCTN3-related conditions. This variant is present in population databases (rs747613046, gnomAD 0.007%). This sequence change replaces isoleucine, which is neutral and non-polar, with valine, which is neutral and non-polar, at codon 461 of the TCTN3 protein (p.Ile461Val).

NM_015631.6(TCTN3):c.1381A>G (p.Ile461Val)

Gene: TCTN3 (tectonic family member 3; minus strand). Cytogenetic location: 10q24.1.
Variant type: single nucleotide variant.
Coding change: c.1381A>G on transcript NM_015631.6 (MANE Select); coding-DNA position 1381, A replaced by G.
Protein change: p.Ile461Val; replaces isoleucine 461 with valine.
Molecular consequence: missense variant.
Genome position (GRCh38, 1-based): chr10:95,682,722, T>C on the plus strand (A>G on the coding strand, the complement: TCTN3 is on the minus strand). VCF-style: chr10-95682722-T-C. GRCh37 (hg19) VCF-style: chr10-97442479-T-C.
Other names: c.1435A>G, p.Ile479Val (NM_001013840.1); c.937A>G, p.Ile313Val (NM_001143973.2); c.1285A>G, p.Ile429Val (NM_001410982.1); short protein forms I479V, I429V, I461V, I313V.
Identifiers: ClinVar variation 2172112 (VCV002172112.4), dbSNP rs747613046, ClinGen allele CA5620852.